The following is an entry in ClinVar:

NM_001040108.2(MLH3):c.1643A>G (p.Gln548Arg)

Gene: MLH3 (mutL homolog 3; minus strand). Cytogenetic location: 14q24.3.
Variant type: single nucleotide variant.
Coding change: c.1643A>G on transcript NM_001040108.2 (MANE Select); coding-DNA position 1643, A replaced by G.
Protein change: p.Gln548Arg; replaces glutamine 548 with arginine.
Molecular consequence: missense variant.
Genome position (GRCh38, 1-based): chr14:75,048,013, T>C on the plus strand (A>G on the coding strand, the complement: MLH3 is on the minus strand). VCF-style: chr14-75048013-T-C. GRCh37 (hg19) VCF-style: chr14-75514716-T-C.
Other names: c.1643A>G, p.Gln548Arg (NM_014381.3); short protein forms Q548R.
Identifiers: ClinVar variation 5024593 (VCV005024593.1).
Genomic context (GRCh38, chr14:75,048,013, plus strand): 5'-GCAAAAGGCAGAGGCTGGCATCCCACTTCAGTAGCATCTTTAAATCTCTTTGGTTGATTC[T>C]GAATTCTATTATTTTTCAAGATGTTGGCAGCCATGCCATTAACAGTAGTACTTTCTTTCC-3'
Protein context (NP_001035197.1, residues 538-558): AANILKNNRI[Gln548Arg]NQPKRFKDAT

ClinVar aggregate classification (germline): Uncertain significance (1 of 4 stars; one submission).

gnomAD v4.1: 1 of 1,613,756 alleles (0.000062%); highest among the groups gnomAD compares: Admixed American, 0.0017%; no homozygotes.

Submission:

Ambry Genetics
Classification: Uncertain significance. Last evaluated: 2026-07-13. Review status: criteria provided, single submitter. Criteria: Ambry Variant Classification Scheme 2023. Collection method: clinical testing. Allele origin: germline.
Comment: The p.Q548R variant (also known as c.1643A>G), located in coding exon 1 of the MLH3 gene, results from an A to G substitution at nucleotide position 1643. The glutamine at codon 548 is replaced by arginine, an amino acid with highly similar properties. This amino acid position is conserved. In addition, this alteration is predicted to be tolerated by in silico analysis. Based on the available evidence, the clinical significance of this variant remains unclear.